The following is an entry in ClinVar:

ClinVar aggregate classification (germline): Likely benign (1 of 4 stars; one submission).

Allele frequency attached by ClinVar (database versions not stated): ExAC 0.00019; gnomAD 0.00026; TOPMed 0.00028; ESP Exome Variant Server 0.00031; gnomAD exomes 0.00049.
gnomAD v4.1: 752 of 1,614,200 alleles (0.047%); highest among the groups gnomAD compares: Non-Finnish European, 0.06%; no homozygotes.

Submission:

CeGaT Center for Human Genetics Tuebingen
Classification: Likely benign. Last evaluated: 2022-11-01. Review status: criteria provided, single submitter. Criteria: CeGaT Center For Human Genetics Tuebingen Variant Classification Criteria Version 2. Collection method: clinical testing. Allele origin: germline. Affected: yes. Observed: 1 variant allele.
Comment: PARP1: BP4, BP7

NM_001618.4(PARP1):c.1374C>T (p.Phe458=)

Genes: PARP1 (poly(ADP-ribose) polymerase 1; minus strand), LOC126806035 (BRD4-independent group 4 enhancer GRCh37_chr1:226566810-226568009; plus strand). Cytogenetic location: 1q42.12.
Variant type: single nucleotide variant.
Coding change: c.1374C>T on transcript NM_001618.4 (MANE Select); coding-DNA position 1374, C replaced by T.
Protein change: p.Phe458=; no amino-acid change (phenylalanine 458 retained).
Molecular consequence: synonymous variant.
Genome position (GRCh38, 1-based): chr1:226,380,091, G>A on the plus strand (C>T on the coding strand, the complement: PARP1 is on the minus strand). VCF-style: chr1-226380091-G-A. GRCh37 (hg19) VCF-style: chr1-226567792-G-A.
Identifiers: ClinVar variation 2639969 (VCV002639969.24), dbSNP rs61731501, ClinGen allele CA1422831.